The following is an entry in ClinVar:

ClinVar aggregate classification (germline): Pathogenic (1 of 4 stars; one submission).

Conditions:
Fanconi anemia (FA). Also called: Fanconi's anemia. Identifiers: Orphanet 84, MedGen C0015625, MeSH D005199, MONDO:0019391.

Submission:

Labcorp Genetics (formerly Invitae), Labcorp
Classification: Pathogenic for Fanconi anemia. Last evaluated: 2025-03-13. Review status: criteria provided, single submitter. Criteria: Invitae Variant Classification Sherloc (09022015). Collection method: clinical testing. Allele origin: germline.
Comment: This sequence change creates a premature translational stop signal (p.Gly893Argfs*23) in the SLX4 gene. It is expected to result in an absent or disrupted protein product. Loss-of-function variants in SLX4 are known to be pathogenic (PMID: 21240277). This variant is not present in population databases (gnomAD no frequency). This variant has not been reported in the literature in individuals affected with SLX4-related conditions. For these reasons, this variant has been classified as Pathogenic.

Literature cited by the submitters: PubMed 21240277.

NM_032444.4(SLX4):c.2676dup (p.Gly893fs)

Gene: SLX4 (SLX4 structure-specific endonuclease subunit; minus strand). Cytogenetic location: 16p13.3.
Variant type: Duplication.
Coding change: c.2676dup on transcript NM_032444.4 (MANE Select); coding-DNA position 2676, one base duplicated (A; older notation c.2676dupA).
Protein change: p.Gly893fs; shifts the reading frame from glycine 893.
Molecular consequence: frameshift variant.
Genome position (GRCh38, 1-based): chr16:3,590,962, T duplicated on the plus strand (A on the coding strand, the reverse complement: SLX4 is on the minus strand). VCF-style (leftmost placement, unchanged base first): chr16-3590961-C-CT. GRCh37 (hg19) VCF-style: chr16-3640962-C-CT.
Other names: short protein forms G893fs.
Identifiers: ClinVar variation 4777397 (VCV004777397.1).